The following is an entry in ClinVar:

ClinVar aggregate classification (germline): Benign/Likely benign. Review status: criteria provided, multiple submitters, no conflicts (2 of 4 stars). 2 submissions from 2 submitters: Benign (1); Likely benign (1). Last evaluated 2024-06-03.

Allele frequency attached by ClinVar (database versions not stated): gnomAD 0.00009 and 0.00008; 1000 Genomes Project 30x 0.00016; gnomAD exomes 0.00006 and 0.00003; TOPMed 0.00012; ESP Exome Variant Server 0.00015; 1000 Genomes Project 0.00020; ExAC 0.00005.
gnomAD v4.1: 63 of 1,610,804 alleles (0.0039%); highest among the groups gnomAD compares: African/African-American, 0.033%; no homozygotes.

Submissions (2):

Labcorp Genetics (formerly Invitae), Labcorp
Classification: Likely benign. Last evaluated: 2024-06-03. Review status: criteria provided, single submitter. Criteria: Invitae Variant Classification Sherloc (09022015). Collection method: clinical testing. Allele origin: germline.

GeneDx
Classification: Benign. Last evaluated: 2015-01-12. Review status: criteria provided, single submitter. Criteria: GeneDx Variant Classification (06012015). Collection method: clinical testing. Allele origin: germline. Affected: yes.
Comment: This variant is considered likely benign or benign based on one or more of the following criteria: it is a conservative change, it occurs at a poorly conserved position in the protein, it is predicted to be benign by multiple in silico algorithms, and/or has population frequency not consistent with disease.

NM_024407.5(NDUFS7):c.54-6C>T

Gene: NDUFS7 (NADH:ubiquinone oxidoreductase core subunit S7; plus strand). Cytogenetic location: 19p13.3.
Variant type: single nucleotide variant.
Coding change: c.54-6C>T on transcript NM_024407.5 (MANE Select); 6 bases into the intron before coding-DNA position 54, C replaced by T.
Molecular consequence: intron variant.
Genome position (GRCh38, 1-based): chr19:1,388,519, C>T. VCF-style: chr19-1388519-C-T. GRCh37 (hg19) VCF-style: chr19-1388518-C-T.
Other names: c.54-6C>T (NM_001363602.2).
Identifiers: ClinVar variation 214827 (VCV000214827.9), dbSNP rs372999514, ClinGen allele CA320942.